The following is an entry in ClinVar:

ClinVar aggregate classification (germline): Uncertain significance. Review status: criteria provided, multiple submitters, no conflicts (2 of 4 stars). 4 submissions from 3 submitters: Uncertain significance (4). Last evaluated 2023-05-16.

Conditions:
Holoprosencephaly sequence (HPE). Also called: Holoprosencephaly. Identifiers: Orphanet 2162, MedGen C0079541, MONDO:0016296, HP:0001360.
Heterotaxy, visceral, 5, autosomal (HTX5). Also called: Heterotaxy, visceral, 5. Identifiers: Orphanet 450, MedGen C3495537, MONDO:0700112, OMIM 270100.
Inborn genetic diseases. Identifiers: MedGen C0950123, MeSH D030342.

Allele frequency attached by ClinVar (database versions not stated): gnomAD 0.00001; gnomAD exomes 0.00001; TOPMed 0.00001; ExAC 0.00002.
gnomAD v4.1: 21 of 1,613,838 alleles (0.0013%); highest among the groups gnomAD compares: Non-Finnish European, 0.0017%; no homozygotes.

Submissions (4):

Labcorp Genetics (formerly Invitae), Labcorp
Classification: Uncertain significance for Heterotaxy, visceral, 5, autosomal. Last evaluated: 2023-05-16. Review status: criteria provided, single submitter. Criteria: Invitae Variant Classification Sherloc (09022015). Collection method: clinical testing. Allele origin: germline.
Comment: ClinVar contains an entry for this variant (Variation ID: 300301). This variant has not been reported in the literature in individuals affected with NODAL-related conditions. This variant is present in population databases (rs752979542, gnomAD 0.003%). This sequence change replaces proline, which is neutral and non-polar, with serine, which is neutral and polar, at codon 184 of the NODAL protein (p.Pro184Ser). In summary, the available evidence is currently insufficient to determine the role of this variant in disease. Therefore, it has been classified as a Variant of Uncertain Significance. Advanced modeling of protein sequence and biophysical properties (such as structural, functional, and spatial information, amino acid conservation, physicochemical variation, residue mobility, and thermodynamic stability) performed at Invitae indicates that this missense variant is not expected to disrupt NODAL protein function.

Ambry Genetics
Classification: Uncertain significance for Inborn genetic diseases. Last evaluated: 2021-09-01. Review status: criteria provided, single submitter. Criteria: Ambry Variant Classification Scheme 2023. Collection method: clinical testing. Allele origin: germline.

Illumina Laboratory Services, Illumina
Classification: Uncertain significance for Heterotaxy, visceral, 5, autosomal. Last evaluated: 2018-01-12. Review status: criteria provided, single submitter. Criteria: ICSL Variant Classification Criteria 13 December 2019. Collection method: clinical testing. Allele origin: germline.

Illumina Laboratory Services, Illumina
Classification: Uncertain significance for Holoprosencephaly sequence. Last evaluated: 2018-01-12. Review status: criteria provided, single submitter. Criteria: ICSL Variant Classification Criteria 13 December 2019. Collection method: clinical testing. Allele origin: germline.

NM_018055.5(NODAL):c.550C>T (p.Pro184Ser)

Gene: NODAL (nodal growth differentiation factor; minus strand). Cytogenetic location: 10q22.1.
Variant type: single nucleotide variant.
Coding change: c.550C>T on transcript NM_018055.5 (MANE Select); coding-DNA position 550, C replaced by T.
Protein change: p.Pro184Ser; replaces proline 184 with serine.
Molecular consequence: missense variant.
Genome position (GRCh38, 1-based): chr10:70,435,627, G>A on the plus strand (C>T on the coding strand, the complement: NODAL is on the minus strand). VCF-style: chr10-70435627-G-A. GRCh37 (hg19) VCF-style: chr10-72195383-G-A.
Other names: c.151C>T, p.Pro51Ser (NM_001329906.2); short protein forms P184S, P51S.
Identifiers: ClinVar variation 300301 (VCV000300301.10), dbSNP rs752979542, ClinGen allele CA5537582.
Genomic context (GRCh38, chr10:70,435,627, plus strand): 5'-GCTCCTGCGAGAGGTTGGAGTAGAGCATAAGGAGCACATTGGTGGCAGGCGGTGTGGGGG[G>A]CCGCGGCCAGCACTCTCCAGCTACCCTGGACATCTGCTTCTCCAGGGCCCCAGGGTGCTT-3'
Protein context (NP_060525.3, residues 174-194): SRVAGECWPR[Pro184Ser]PTPPATNVLL